The following is an entry in ClinVar:

ClinVar aggregate classification (germline): Uncertain significance (1 of 4 stars; one submission).

gnomAD v4.1: 16 of 1,613,488 alleles (0.00099%); highest among the groups gnomAD compares: East Asian, 0.0067%; no homozygotes.

Submission:

Labcorp Genetics (formerly Invitae), Labcorp
Classification: Uncertain significance. Last evaluated: 2025-10-09. Review status: criteria provided, single submitter. Criteria: Invitae Variant Classification Sherloc (09022015). Collection method: clinical testing. Allele origin: germline.
Comment: This sequence change replaces aspartic acid, which is acidic and polar, with asparagine, which is neutral and polar, at codon 1048 of the LAMB1 protein (p.Asp1048Asn). The frequency data for this variant in the population databases is considered unreliable, as metrics indicate poor data quality at this position in the gnomAD database. This variant has not been reported in the literature in individuals affected with LAMB1-related conditions. An algorithm developed to predict the effect of missense changes on protein structure and function (PolyPhen-2) suggests that this variant is likely to be tolerated. In summary, the available evidence is currently insufficient to determine the role of this variant in disease. Therefore, it has been classified as a Variant of Uncertain Significance.

NM_002291.3(LAMB1):c.3142G>A (p.Asp1048Asn)

Gene: LAMB1 (laminin subunit beta 1; minus strand). Cytogenetic location: 7q31.1.
Variant type: single nucleotide variant.
Coding change: c.3142G>A on transcript NM_002291.3 (MANE Select); coding-DNA position 3142, G replaced by A.
Protein change: p.Asp1048Asn; replaces aspartic acid 1048 with asparagine.
Molecular consequence: missense variant.
Genome position (GRCh38, 1-based): chr7:107,952,161, C>T on the plus strand (G>A on the coding strand, the complement: LAMB1 is on the minus strand). VCF-style: chr7-107952161-C-T. GRCh37 (hg19) VCF-style: chr7-107592606-C-T.
Other names: short protein forms D1048N.
Identifiers: ClinVar variation 4748941 (VCV004748941.1).